The following is an entry in ClinVar:

ClinVar aggregate classification (germline): Uncertain significance. Review status: criteria provided, multiple submitters, no conflicts (2 of 4 stars). 2 submissions from 2 submitters: Uncertain significance (2). Last evaluated 2023-10-01.

Conditions:
Retinal dystrophy. Also called: Inherited retinal dystrophy. Identifiers: Orphanet 71862, MedGen C0854723, MeSH D058499, MONDO:0019118, HP:0000556.

Allele frequency attached by ClinVar (database versions not stated): gnomAD exomes 0.00001.

Submissions (2):

Dept Of Ophthalmology, Nagoya University
Classification: Uncertain significance for Retinal dystrophy. Last evaluated: 2023-10-01. Review status: criteria provided, single submitter. Criteria: Submitter's publication. Collection method: research. Allele origin: germline. Affected: yes.

Labcorp Genetics (formerly Invitae), Labcorp
Classification: Uncertain significance. Last evaluated: 2022-09-27. Review status: criteria provided, single submitter. Criteria: Invitae Variant Classification Sherloc (09022015). Collection method: clinical testing. Allele origin: germline.
Comment: In summary, the available evidence is currently insufficient to determine the role of this variant in disease. Therefore, it has been classified as a Variant of Uncertain Significance. Experimental studies and prediction algorithms are not available or were not evaluated, and the functional significance of this variant is currently unknown. ClinVar contains an entry for this variant (Variation ID: 1423722). This variant has not been reported in the literature in individuals affected with KIZ-related conditions. This variant is not present in population databases (gnomAD no frequency). This sequence change replaces leucine, which is neutral and non-polar, with arginine, which is basic and polar, at codon 128 of the KIZ protein (p.Leu128Arg).

NM_018474.6(KIZ):c.383T>G (p.Leu128Arg)

Gene: KIZ (kizuna centrosomal protein; plus strand). Cytogenetic location: 20p11.23.
Variant type: single nucleotide variant.
Coding change: c.383T>G on transcript NM_018474.6 (MANE Select); coding-DNA position 383, T replaced by G.
Protein change: p.Leu128Arg; replaces leucine 128 with arginine.
Molecular consequence: missense variant. On other transcripts: intron variant (1).
Genome position (GRCh38, 1-based): chr20:21,145,632, T>G. VCF-style: chr20-21145632-T-G. GRCh37 (hg19) VCF-style: chr20-21126273-T-G.
Other names: c.74T>G, p.Leu25Arg (NM_001163022.3, NM_001352435.2); c.236T>G, p.Leu79Arg (NM_001276389.2); c.383T>G, p.Leu128Arg (NM_001352434.2); c.41T>G, p.Leu14Arg (NM_001352436.2); c.6+13473T>G (NM_001163023.3); short protein forms L128R, L14R, L25R, L79R.
Identifiers: ClinVar variation 1423722 (VCV001423722.7), dbSNP rs2032807362, ClinGen allele CA408488857.